The following is an entry in ClinVar:

ClinVar aggregate classification (germline): Pathogenic. Review status: criteria provided, multiple submitters, no conflicts (2 of 4 stars). 2 submissions from 2 submitters: Pathogenic (2). Last evaluated 2024-04-30.

Submissions (2):

GeneDx
Classification: Pathogenic. Last evaluated: 2024-04-30. Review status: criteria provided, single submitter. Criteria: GeneDx Variant Classification Process June 2021. Collection method: clinical testing. Allele origin: germline. Affected: yes.
Comment: Identified in a cohort of newborns with multiple congenital anomalies in published literature; however, no detailed clinical information was provided (PMID: 33502061); Frameshift variant predicted to result in protein truncation or nonsense mediated decay in a gene for which loss of function is a known mechanism of disease; Not observed at significant frequency in large population cohorts (gnomAD); This variant is associated with the following publications: (PMID: 33502061)

Labcorp Genetics (formerly Invitae), Labcorp
Classification: Pathogenic. Last evaluated: 2024-01-25. Review status: criteria provided, single submitter. Criteria: Invitae Variant Classification Sherloc (09022015). Collection method: clinical testing. Allele origin: germline.
Comment: This sequence change creates a premature translational stop signal (p.Gly831Argfs*12) in the COL2A1 gene. It is expected to result in an absent or disrupted protein product. Loss-of-function variants in COL2A1 are known to be pathogenic (PMID: 20179744). This variant is not present in population databases (gnomAD no frequency). This premature translational stop signal has been observed in individual(s) with multiple congenital anomalies (PMID: 33502061). ClinVar contains an entry for this variant (Variation ID: 504463). For these reasons, this variant has been classified as Pathogenic.

Literature cited by the submitters: PubMed 20179744 (cited by Labcorp Genetics (formerly Invitae), Labcorp); PubMed 33502061 (cited by Labcorp Genetics (formerly Invitae), Labcorp).

NM_001844.5(COL2A1):c.2490dup (p.Gly831fs)

Gene: COL2A1 (collagen type II alpha 1 chain; minus strand). Cytogenetic location: 12q13.11.
Variant type: Duplication.
Coding change: c.2490dup on transcript NM_001844.5 (MANE Select); coding-DNA position 2490, one base duplicated (C; older notation c.2490dupC).
Protein change: p.Gly831fs; shifts the reading frame from glycine 831.
Molecular consequence: frameshift variant.
Genome position (GRCh38, 1-based): chr12:47,980,942, G duplicated on the plus strand (C on the coding strand, the reverse complement: COL2A1 is on the minus strand); the first of 6 consecutive G bases (chr12:47,980,942-47,980,947); duplicating any one gives the same sequence. VCF-style (leftmost placement, unchanged base first): chr12-47980941-C-CG. GRCh37 (hg19) VCF-style: chr12-48374724-C-CG.
Other names: c.2490dupC (NM_001844.4); c.2283dup, p.Gly762fs (NM_033150.3); short protein forms G831fs, G762fs.
Identifiers: ClinVar variation 504463 (VCV000504463.7), dbSNP rs1273496827, ClinGen allele CA658797884.